The following is an entry in ClinVar:

NM_015331.3(NCSTN):c.967C>T (p.Arg323Cys)

Gene: NCSTN (nicastrin; plus strand). Cytogenetic location: 1q23.2.
Variant type: single nucleotide variant.
Coding change: c.967C>T on transcript NM_015331.3 (MANE Select); coding-DNA position 967, C replaced by T.
Protein change: p.Arg323Cys; replaces arginine 323 with cysteine.
Molecular consequence: missense variant. On other transcripts: intron variant (1).
Genome position (GRCh38, 1-based): chr1:160,352,177, C>T. VCF-style: chr1-160352177-C-T. GRCh37 (hg19) VCF-style: chr1-160321967-C-T.
Other names: c.967C>T (NM_015331.2); c.907C>T, p.Arg303Cys (NM_001290184.2); c.967C>T, p.Arg323Cys (NM_001349729.2); c.583-710C>T (NM_001290186.2); short protein forms R323C, R303C.
Identifiers: ClinVar variation 1363476 (VCV001363476.8), dbSNP rs199974273, ClinGen allele CA1198851.
Genomic context (GRCh38, chr1:160,352,177, plus strand): 5'-GTCACCCAGCTGGCTGCTGCTGAAGCTTTGCAAAAGGCACCTGATGTGACCACCCTGCCC[C>T]GCAATGTCATGTTTGTCTTCTTTCAAGGGGTAAGGGCTCTTTGGCTGGGGTGCAATGGCA-3'
Protein context (NP_056146.1, residues 313-333): QKAPDVTTLP[Arg323Cys]NVMFVFFQGE

ClinVar aggregate classification (germline): Uncertain significance. Review status: criteria provided, multiple submitters, no conflicts (2 of 4 stars). 2 submissions from 2 submitters: Uncertain significance (2). Last evaluated 2026-02-02.

Conditions:
NCSTN-related disorder. Also called: NCSTN-related condition.

Allele frequency attached by ClinVar (database versions not stated): TOPMed 0.00001; ExAC 0.00002; gnomAD 0.00002 and 0.00003; gnomAD exomes 0.00002 and 0.00003.
gnomAD v4.1: 30 of 1,614,000 alleles (0.0019%); highest among the groups gnomAD compares: Non-Finnish European, 0.0023%; no homozygotes.

Submissions (2):

Labcorp Genetics (formerly Invitae), Labcorp
Classification: Uncertain significance. Last evaluated: 2026-02-02. Review status: criteria provided, single submitter. Criteria: Invitae Variant Classification Sherloc (09022015). Collection method: clinical testing. Allele origin: germline.
Comment: This sequence change replaces arginine, which is basic and polar, with cysteine, which is neutral and slightly polar, at codon 323 of the NCSTN protein (p.Arg323Cys). This variant is present in population databases (rs199974273, gnomAD 0.006%). This variant has not been reported in the literature in individuals affected with NCSTN-related conditions. ClinVar contains an entry for this variant (Variation ID: 1363476). Invitae Evidence Modeling of protein sequence and biophysical properties (such as structural, functional, and spatial information, amino acid conservation, physicochemical variation, residue mobility, and thermodynamic stability) indicates that this missense variant is expected to disrupt NCSTN protein function with a positive predictive value of 80%. In summary, the available evidence is currently insufficient to determine the role of this variant in disease. Therefore, it has been classified as a Variant of Uncertain Significance.

PreventionGenetics, part of Exact Sciences
Classification: Uncertain significance for NCSTN-related condition. Last evaluated: 2022-10-25. Review status: criteria provided, single submitter. Criteria: ACMG Guidelines, 2015. Collection method: clinical testing. Allele origin: germline.
Comment: The NCSTN c.967C>T variant is predicted to result in the amino acid substitution p.Arg323Cys. To our knowledge, this variant has not been reported in the literature. This variant is reported in 0.0054% of alleles in individuals of European (Non-Finnish) descent in gnomAD. Although we suspect that this variant may be benign, at this time, the clinical significance of this variant is uncertain due to the absence of conclusive functional and genetic evidence.